The following is an entry in ClinVar:

ClinVar aggregate classification (germline): Uncertain significance (1 of 4 stars; one submission).

Submission:

Labcorp Genetics (formerly Invitae), Labcorp
Classification: Uncertain significance. Last evaluated: 2025-01-07. Review status: criteria provided, single submitter. Criteria: Invitae Variant Classification Sherloc (09022015). Collection method: clinical testing. Allele origin: germline.
Comment: This sequence change replaces cysteine, which is neutral and slightly polar, with tyrosine, which is neutral and polar, at codon 67 of the LPL protein (p.Cys67Tyr). This variant is not present in population databases (gnomAD no frequency). This variant has not been reported in the literature in individuals affected with LPL-related conditions. Invitae Evidence Modeling of protein sequence and biophysical properties (such as structural, functional, and spatial information, amino acid conservation, physicochemical variation, residue mobility, and thermodynamic stability) indicates that this missense variant is expected to disrupt LPL protein function with a positive predictive value of 80%. In summary, the available evidence is currently insufficient to determine the role of this variant in disease. Therefore, it has been classified as a Variant of Uncertain Significance.

NM_000237.3(LPL):c.200G>A (p.Cys67Tyr)

Gene: LPL (lipoprotein lipase; plus strand). Cytogenetic location: 8p21.3.
Variant type: single nucleotide variant.
Coding change: c.200G>A on transcript NM_000237.3 (MANE Select); coding-DNA position 200, G replaced by A.
Protein change: p.Cys67Tyr; replaces cysteine 67 with tyrosine.
Molecular consequence: missense variant.
Genome position (GRCh38, 1-based): chr8:19,948,291, G>A. VCF-style: chr8-19948291-G-A. GRCh37 (hg19) VCF-style: chr8-19805802-G-A.
Other names: short protein forms C67Y.
Identifiers: ClinVar variation 3630361 (VCV003630361.2).